The following is an entry in ClinVar:

NM_000245.4(MET):c.2725A>T (p.Ile909Leu)

Gene: MET (MET proto-oncogene, receptor tyrosine kinase; plus strand). Cytogenetic location: 7q31.2.
Variant type: single nucleotide variant.
Coding change: c.2725A>T on transcript NM_000245.4 (MANE Select); coding-DNA position 2725, A replaced by T.
Protein change: p.Ile909Leu; replaces isoleucine 909 with leucine.
Molecular consequence: missense variant.
Genome position (GRCh38, 1-based): chr7:116,769,786, A>T. VCF-style: chr7-116769786-A-T. GRCh37 (hg19) VCF-style: chr7-116409840-A-T.
Other names: c.2779A>T, p.Ile927Leu (NM_001127500.3); c.2725A>T, p.Ile909Leu (NM_001324401.3); c.1435A>T, p.Ile479Leu (NM_001324402.2); short protein forms I909L, I927L, I479L.
Identifiers: ClinVar variation 3872399 (VCV003872399.1).

ClinVar aggregate classification (germline): Uncertain significance (1 of 4 stars; one submission).

Conditions:
Hereditary cancer-predisposing syndrome. Also called: Tumor predisposition; Neoplastic Syndromes, Hereditary; Hereditary Cancer Syndrome; Hereditary neoplastic syndrome. Identifiers: Orphanet 140162, MedGen C0027672, MeSH D009386, MONDO:0015356.

Submission:

Ambry Genetics
Classification: Uncertain significance for Hereditary cancer-predisposing syndrome. Last evaluated: 2025-03-04. Review status: criteria provided, single submitter. Criteria: Ambry Variant Classification Scheme 2023. Collection method: clinical testing. Allele origin: germline.
Comment: The p.I927L variant (also known as c.2779A>T), located in coding exon 11 of the MET gene, results from an A to T substitution at nucleotide position 2779. The isoleucine at codon 927 is replaced by leucine, an amino acid with highly similar properties. This amino acid position is conserved. In addition, the in silico prediction for this alteration is inconclusive. Based on the available evidence, the clinical significance of this variant remains unclear.